The following is an entry in ClinVar:

ClinVar aggregate classification (germline): Uncertain significance. Review status: criteria provided, multiple submitters, no conflicts (2 of 4 stars). 2 submissions from 2 submitters: Uncertain significance (2). Last evaluated 2025-01-06.

Conditions:
Succinate-semialdehyde dehydrogenase deficiency (SSADHD). Also called: SSADH DEFICIENCY; 4-HYDROXYBUTYRIC ACIDURIA; Succinic Semialdehyde Dehydrogenase Deficiency; GABA METABOLIC DEFECT. Identifiers: Orphanet 22, MedGen C0268631, MONDO:0010083, OMIM 271980.

Allele frequency attached by ClinVar (database versions not stated): ExAC below 0.00001; TOPMed 0.00002.
gnomAD v4.1: 43 of 1,318,458 alleles (0.0033%); highest among the groups gnomAD compares: Middle Eastern, 0.028%; no homozygotes.

Submissions (2):

Labcorp Genetics (formerly Invitae), Labcorp
Classification: Uncertain significance for Succinate-semialdehyde dehydrogenase deficiency. Last evaluated: 2025-01-06. Review status: criteria provided, single submitter. Criteria: Invitae Variant Classification Sherloc (09022015). Collection method: clinical testing. Allele origin: germline.
Comment: This sequence change replaces glycine, which is neutral and non-polar, with alanine, which is neutral and non-polar, at codon 29 of the ALDH5A1 protein (p.Gly29Ala). The frequency data for this variant in the population databases is considered unreliable, as metrics indicate poor data quality at this position in the gnomAD database. This variant has not been reported in the literature in individuals affected with ALDH5A1-related conditions. ClinVar contains an entry for this variant (Variation ID: 859631). Invitae Evidence Modeling of protein sequence and biophysical properties (such as structural, functional, and spatial information, amino acid conservation, physicochemical variation, residue mobility, and thermodynamic stability) indicates that this missense variant is not expected to disrupt ALDH5A1 protein function with a negative predictive value of 95%. In summary, the available evidence is currently insufficient to determine the role of this variant in disease. Therefore, it has been classified as a Variant of Uncertain Significance.

CeGaT Center for Human Genetics Tuebingen
Classification: Uncertain significance. Last evaluated: 2020-04-01. Review status: criteria provided, single submitter. Criteria: CeGaT Center For Human Genetics Tuebingen Variant Classification Criteria Version 2. Collection method: clinical testing. Allele origin: germline. Affected: yes. Observed: 3 variant alleles.

NM_001080.3(ALDH5A1):c.86G>C (p.Gly29Ala)

Genes: ALDH5A1 (aldehyde dehydrogenase 5 family member A1; plus strand), GPLD1 (glycosylphosphatidylinositol specific phospholipase D1; minus strand), LOC129995978 (ATAC-STARR-seq lymphoblastoid silent region 16989; plus strand). Cytogenetic location: 6p22.3.
Variant type: single nucleotide variant.
Coding change: c.86G>C on transcript NM_001080.3 (MANE Select); coding-DNA position 86, G replaced by C.
Protein change: p.Gly29Ala; replaces glycine 29 with alanine.
Molecular consequence: missense variant.
Genome position (GRCh38, 1-based): chr6:24,495,082, G>C. VCF-style: chr6-24495082-G-C. GRCh37 (hg19) VCF-style: chr6-24495310-G-C.
Other names: c.86G>C, p.Gly29Ala (NM_001368954.1, NM_170740.1); short protein forms G29A.
Identifiers: ClinVar variation 859631 (VCV000859631.44), dbSNP rs768533338, ClinGen allele CA3656570.